The following is an entry in ClinVar:

ClinVar aggregate classification (germline): Uncertain significance (1 of 4 stars; one submission).

Submission:

Labcorp Genetics (formerly Invitae), Labcorp
Classification: Uncertain significance. Last evaluated: 2022-01-15. Review status: criteria provided, single submitter. Criteria: Invitae Variant Classification Sherloc (09022015). Collection method: clinical testing. Allele origin: germline.
Comment: Algorithms developed to predict the effect of missense changes on protein structure and function output the following: SIFT: "Deleterious"; PolyPhen-2: "Benign"; Align-GVGD: "Class C55". The threonine amino acid residue is found in multiple mammalian species, which suggests that this missense change does not adversely affect protein function. In summary, the available evidence is currently insufficient to determine the role of this variant in disease. Therefore, it has been classified as a Variant of Uncertain Significance. This variant has not been reported in the literature in individuals affected with SETBP1-related conditions. This variant is not present in population databases (gnomAD no frequency). This sequence change replaces alanine, which is neutral and non-polar, with threonine, which is neutral and polar, at codon 775 of the SETBP1 protein (p.Ala775Thr).

NM_015559.3(SETBP1):c.2323G>A (p.Ala775Thr)

Gene: SETBP1 (SET binding protein 1; plus strand). Cytogenetic location: 18q12.3.
Variant type: single nucleotide variant.
Coding change: c.2323G>A on transcript NM_015559.3 (MANE Select); coding-DNA position 2323, G replaced by A.
Protein change: p.Ala775Thr; replaces alanine 775 with threonine.
Molecular consequence: missense variant.
Genome position (GRCh38, 1-based): chr18:44,951,663, G>A. VCF-style: chr18-44951663-G-A. GRCh37 (hg19) VCF-style: chr18-42531628-G-A.
Other names: c.2323G>A, p.Ala775Thr (NM_001379141.1, NM_001379142.1, NM_001410862.1); short protein forms A775T.
Identifiers: ClinVar variation 2083875 (VCV002083875.4), dbSNP rs2511471412, ClinGen allele CA402320911.
Genomic context (GRCh38, chr18:44,951,663, plus strand): 5'-CAGCCGGATGTTCCAGCCGTGCCTTCCAACTTTCAGTCACTTGTGGCGTCTTCACCAGCA[G>A]CTATGCACCCACTTTCAACACAGTTAGGTGGGTCCAATGGCAACCTGAGCCCTGCCAGCA-3'
Protein context (NP_056374.2, residues 765-785): FQSLVASSPA[Ala775Thr]MHPLSTQLGG